The following is an entry in ClinVar:

ClinVar aggregate classification (germline): Likely pathogenic (1 of 4 stars; one submission).

Conditions:
COL2A1-related disorder. Also called: COL2A1-related condition; COL2A1-related disorders.

Submission:

3billion
Classification: Likely pathogenic for COL2A1-related disorder. Last evaluated: 2024-09-13. Review status: criteria provided, single submitter. Criteria: ACMG Guidelines, 2015. Collection method: clinical testing. Allele origin: germline. Affected: yes.
Comment: The variant is not observed in the gnomAD v4.0.0 dataset. Predicted Consequence/Location: The variant is located in a mutational hot spot and/or well-established functional domain in which established pathogenic variants have been reported (PMID: 26626311). In silico tool predictions suggest damaging effect of the variant on gene or gene product [REVEL: 0.98 (>=0.6, sensitivity 0.68 and specificity 0.92); 3Cnet: 0.99 (>=0.6, sensitivity 0.72 and precision 0.9)]. A different missense change at the same codon (p.Gly903Ser) has been reported to be associated with COL2A1-related disorder (ClinVar ID: VCV002735843 /PMID: 22791362). Therefore, this variant is classified as Likely pathogenic according to the recommendation of ACMG/AMP guideline.

Literature cited by the submitters: PubMed 26626311; PubMed 22791362.

NM_001844.5(COL2A1):c.2708G>A (p.Gly903Asp)

Gene: COL2A1 (collagen type II alpha 1 chain; minus strand). Cytogenetic location: 12q13.11.
Variant type: single nucleotide variant.
Coding change: c.2708G>A on transcript NM_001844.5 (MANE Select); coding-DNA position 2708, G replaced by A.
Protein change: p.Gly903Asp; replaces glycine 903 with aspartic acid.
Molecular consequence: missense variant.
Genome position (GRCh38, 1-based): chr12:47,979,536, C>T on the plus strand (G>A on the coding strand, the complement: COL2A1 is on the minus strand). VCF-style: chr12-47979536-C-T. GRCh37 (hg19) VCF-style: chr12-48373319-C-T.
Other names: c.2501G>A, p.Gly834Asp (NM_033150.3); short protein forms G834D, G903D.
Identifiers: ClinVar variation 4293301 (VCV004293301.1).